The following is an entry in ClinVar:

ClinVar aggregate classification (germline): Uncertain significance (1 of 4 stars; one submission).

gnomAD v4.1: 1 of 1,208,606 alleles (0.000083%); highest among the groups gnomAD compares: Non-Finnish European, 0.00011%; no homozygotes.

Submission:

GeneDx
Classification: Uncertain significance. Last evaluated: 2023-07-07. Review status: criteria provided, single submitter. Criteria: GeneDx Variant Classification Process June 2021. Collection method: clinical testing. Allele origin: germline. Affected: yes.
Comment: Not observed at significant frequency in large population cohorts (gnomAD); In silico analysis supports that this missense variant does not alter protein structure/function; Has not been previously published as pathogenic or benign to our knowledge

NM_012280.4(FTSJ1):c.694A>G (p.Ile232Val)

Gene: FTSJ1 (FtsJ RNA 2'-O-methyltransferase 1; plus strand). Cytogenetic location: Xp11.23.
Variant type: single nucleotide variant.
Coding change: c.694A>G on transcript NM_012280.4 (MANE Select); coding-DNA position 694, A replaced by G.
Protein change: p.Ile232Val; replaces isoleucine 232 with valine.
Molecular consequence: missense variant.
Genome position (GRCh38, 1-based): chrX:48,482,441, A>G. VCF-style: chrX-48482441-A-G. GRCh37 (hg19) VCF-style: chrX-48340829-A-G.
Other names: c.283A>G, p.Ile95Val (NM_001282157.2); c.688A>G, p.Ile230Val (NM_177439.3); short protein forms I230V, I232V, I95V.
Identifiers: ClinVar variation 3360797 (VCV003360797.1).